The following is an entry in ClinVar:

NM_001711.6(BGN):c.655A>C (p.Lys219Gln)

Gene: BGN (biglycan; plus strand). Cytogenetic location: Xq28.
Variant type: single nucleotide variant.
Coding change: c.655A>C on transcript NM_001711.6 (MANE Select); coding-DNA position 655, A replaced by C.
Protein change: p.Lys219Gln; replaces lysine 219 with glutamine.
Molecular consequence: missense variant.
Genome position (GRCh38, 1-based): chrX:153,506,618, A>C. VCF-style: chrX-153506618-A-C. GRCh37 (hg19) VCF-style: chrX-152772076-A-C.
Other names: short protein forms K219Q.
Identifiers: ClinVar variation 3613047 (VCV003613047.2).

ClinVar aggregate classification (germline): Uncertain significance (1 of 4 stars; one submission).

gnomAD v4.1: 4 of 1,211,347 alleles (0.00033%); highest among the groups gnomAD compares: Middle Eastern, 0.023%; no homozygotes.

Submission:

Labcorp Genetics (formerly Invitae), Labcorp
Classification: Uncertain significance. Last evaluated: 2024-10-12. Review status: criteria provided, single submitter. Criteria: Invitae Variant Classification Sherloc (09022015). Collection method: clinical testing. Allele origin: germline.
Comment: This sequence change replaces lysine, which is basic and polar, with glutamine, which is neutral and polar, at codon 219 of the BGN protein (p.Lys219Gln). This variant is not present in population databases (gnomAD no frequency). This variant has not been reported in the literature in individuals affected with BGN-related conditions. Invitae Evidence Modeling of protein sequence and biophysical properties (such as structural, functional, and spatial information, amino acid conservation, physicochemical variation, residue mobility, and thermodynamic stability) indicates that this missense variant is not expected to disrupt BGN protein function with a negative predictive value of 80%. In summary, the available evidence is currently insufficient to determine the role of this variant in disease. Therefore, it has been classified as a Variant of Uncertain Significance.